The following is an entry in ClinVar:

NM_000426.4(LAMA2):c.1782+3_1782+6del

Gene: LAMA2 (laminin subunit alpha 2; plus strand). Cytogenetic location: 6q22.33.
Variant type: Microsatellite.
Coding change: c.1782+3_1782+6del on transcript NM_000426.4 (MANE Select); bases 3 to 6 of the intron after coding-DNA position 1782, 4 bases deleted (AAGT; older notation c.1782+3_1782+6delAAGT).
Molecular consequence: splice donor variant.
Genome position (GRCh38, 1-based): chr6:129,192,856-129,192,859, AAGT deleted; deleting any 4 consecutive bases within chr6:129,192,852-129,192,859 gives the same sequence; the c. name uses the placement nearest the transcript's 3' end. VCF-style (leftmost placement, unchanged base first): chr6-129192851-AAAGT-A. GRCh37 (hg19) VCF-style: chr6-129513996-AAAGT-A.
Other names: c.1782+3_1782+6del (NM_001079823.2).
Identifiers: ClinVar variation 1302390 (VCV001302390.3), dbSNP rs1781610935, ClinGen allele CA1663046574.

ClinVar aggregate classification (germline): Uncertain significance. Review status: criteria provided, multiple submitters, no conflicts (2 of 4 stars). 2 submissions from 2 submitters: Uncertain significance (2). Last evaluated 2025-09-10.

Conditions:
LAMA2-related muscular dystrophy (LAMA2-RD). Also called: Laminin alpha 2-related dystrophy. Identifiers: MedGen C5679788, MONDO:0100228.

Submissions (2):

Myriad Genetics, Inc.
Classification: Uncertain significance for LAMA2-related muscular dystrophy. Last evaluated: 2025-09-10. Review status: criteria provided, single submitter. Criteria: Myriad Autosomal Dominant, Autosomal Recessive and X-Linked Classification Criteria (2023). Collection method: clinical testing. Allele origin: unknown.
Comment: NM_000426.3(LAMA2):c.1782+3_1782+6delAAGT is an intronic variant classified as a variant of uncertain significance in the context of muscular dystrophy, LAMA2-related. c.1782+3_1782+6delAAGT has not been observed in cases with relevant disease. Relevant functional assessments of this variant are not available in the literature. c.1782+3_1782+6delAAGT has not been observed in referenced population frequency databases. In summary, there is insufficient evidence to classify NM_000426.3(LAMA2):c.1782+3_1782+6delAAGT as pathogenic or benign. Please note: this variant was assessed in the context of healthy population screening.

GeneDx
Classification: Uncertain significance. Last evaluated: 2019-04-03. Review status: criteria provided, single submitter. Criteria: GeneDx Variant Classification Process June 2021. Collection method: clinical testing. Allele origin: germline. Affected: yes.
Comment: Not observed in large population cohorts (Lek et al., 2016); In silico analysis, which includes splice predictors and evolutionary conservation, supports a deleterious effect; Has not been previously published as pathogenic or benign to our knowledge